The following is an entry in ClinVar:

ClinVar aggregate classification (germline): Uncertain significance (1 of 4 stars; one submission).

Conditions:
Primary ciliary dyskinesia. Also called: Ciliary dyskinesia. Identifiers: Orphanet 244, MedGen C0008780, MONDO:0016575, HP:0012265.

Submission:

Ambry Genetics
Classification: Uncertain significance for Primary ciliary dyskinesia. Last evaluated: 2022-07-06. Review status: criteria provided, single submitter. Criteria: Ambry Variant Classification Scheme 2023. Collection method: clinical testing. Allele origin: germline.
Comment: The p.Q3061H variant (also known as c.9183G>T), located in coding exon 56 of the DNAH11 gene, results from a G to T substitution at nucleotide position 9183. The glutamine at codon 3061 is replaced by histidine, an amino acid with highly similar properties. This amino acid position is conserved. In addition, this alteration is predicted to be tolerated by in silico analysis. Since supporting evidence is limited at this time, the clinical significance of this alteration remains unclear.

NM_001277115.2(DNAH11):c.9183G>T (p.Gln3061His)

Gene: DNAH11 (dynein axonemal heavy chain 11; plus strand). Cytogenetic location: 7p15.3.
Variant type: single nucleotide variant.
Coding change: c.9183G>T on transcript NM_001277115.2 (MANE Select); coding-DNA position 9183, G replaced by T.
Protein change: p.Gln3061His; replaces glutamine 3061 with histidine.
Molecular consequence: missense variant.
Genome position (GRCh38, 1-based): chr7:21,773,846, G>T. VCF-style: chr7-21773846-G-T. GRCh37 (hg19) VCF-style: chr7-21813464-G-T.
Other names: c.9204G>T, p.Gln3068His (NM_003777.3); short protein forms Q3061H, Q3068H.
Identifiers: ClinVar variation 1766089 (VCV001766089.2), dbSNP rs1787544199, ClinGen allele CA366936509.